The following is an entry in ClinVar:

NM_198253.3(TERT):c.2178G>A (p.Thr726=)

Gene: TERT (telomerase reverse transcriptase; minus strand). Cytogenetic location: 5p15.33.
Variant type: single nucleotide variant.
Coding change: c.2178G>A on transcript NM_198253.3 (MANE Select); coding-DNA position 2178, G replaced by A.
Protein change: p.Thr726=; no amino-acid change (threonine 726 retained).
Molecular consequence: synonymous variant. On other transcripts: non-coding transcript variant (2).
Genome position (GRCh38, 1-based): chr5:1,278,749, C>T on the plus strand (G>A on the coding strand, the complement: TERT is on the minus strand). VCF-style: chr5-1278749-C-T. GRCh37 (hg19) VCF-style: chr5-1278864-C-T.
Other names: c.2178G>A, p.Thr726= (NM_001193376.3).
Identifiers: ClinVar variation 39112 (VCV000039112.26), dbSNP rs199422288, ClinGen allele CA343445.
Genomic context (GRCh38, chr5:1,278,749, plus strand): 5'-CACGGCATACCGACGCACGCAGTACGTGTTCTGGGGTTTGATGATGCTGGCGATGACCTC[C>T]GTGAGCCTGTCCTGGGGGATGGTGTCGTACGCGCCCGTCACATCCACCTGTGTGAGTGGA-3'
Protein context (NP_937983.2, residues 716-736): AYDTIPQDRL[Thr726=]EVIASIIKPQ

ClinVar aggregate classification (germline): Likely benign. Review status: criteria provided, multiple submitters, no conflicts (2 of 4 stars). 6 submissions from 6 submitters: Likely benign (4). 2 of the submissions do not count toward it. Last evaluated 2025-12-31.

Conditions:
Dyskeratosis congenita, autosomal dominant 2. Identifiers: MedGen C3151443, MONDO:0013521, OMIM 613989.
Idiopathic Pulmonary Fibrosis. Also called: Idiopathic fibrosing alveolitis, chronic form; idiopathic fibrosing alveolitis. Identifiers: Orphanet 2032, MedGen C1800706, MeSH D054990, MONDO:0800504.
TERT-related disorder. Also called: TERT-related disorders; TERT-related condition.
Dyskeratosis congenita. Identifiers: Orphanet 1775, MedGen C0265965, MONDO:0015780.
Dyskeratosis congenita, autosomal dominant 1 (DKCA1). Also called: Dyskeratosis congenita Scoggins type. Identifiers: Orphanet 1775, MedGen C4551974, MONDO:0007485, OMIM 127550. Inheritance: Variable.

Allele frequency attached by ClinVar (database versions not stated): gnomAD exomes 0.00006 and 0.00013; gnomAD 0.00011 and 0.00014; ExAC 0.00012; TOPMed 0.00020; 1000 Genomes Project 0.00060; 1000 Genomes Project 30x 0.00062.
gnomAD v4.1: 110 of 1,614,182 alleles (0.0068%); highest among the groups gnomAD compares: East Asian, 0.082%; 1 homozygote.

Submissions (6):

Labcorp Genetics (formerly Invitae), Labcorp
Classification: Likely benign for Dyskeratosis congenita, autosomal dominant 2; Idiopathic Pulmonary Fibrosis. Last evaluated: 2025-12-31. Review status: criteria provided, single submitter. Criteria: Invitae Variant Classification Sherloc (09022015). Collection method: clinical testing. Allele origin: germline.

CeGaT Center for Human Genetics Tuebingen
Classification: Likely benign. Last evaluated: 2025-03-01. Review status: criteria provided, single submitter. Criteria: CeGaT Center For Human Genetics Tuebingen Variant Classification Criteria Version 2. Collection method: clinical testing. Allele origin: germline. Affected: yes. Observed: 1 variant allele.
Comment: TERT: BP4, BP7

Blueprint Genetics
Classification: Likely benign. Last evaluated: 2024-11-05. Review status: criteria provided, single submitter. Criteria: ACMG Guidelines, 2015. Collection method: clinical testing. Allele origin: germline.

Ambry Genetics
Classification: Likely benign for Dyskeratosis congenita. Last evaluated: 2022-02-13. Review status: criteria provided, single submitter. Criteria: Ambry Variant Classification Scheme 2023. Collection method: clinical testing. Allele origin: germline.

PreventionGenetics, part of Exact Sciences
Classification: Likely benign for TERT-related condition. Last evaluated: 2024-01-04. Review status: no assertion criteria provided. Collection method: clinical testing. Allele origin: germline. Not counted in ClinVar's aggregate classification.
Comment: This variant is classified as likely benign based on ACMG/AMP sequence variant interpretation guidelines (Richards et al. 2015 PMID: 25741868, with internal and published modifications).

GeneReviews
No classification provided. Condition: Dyskeratosis congenita, autosomal dominant 1. Review status: no classification provided. Collection method: literature only. Allele origin: unknown. Not counted in ClinVar's aggregate classification.

Literature cited by the submitters: PubMed 20301779 (cited by GeneReviews); NCBI Bookshelf NBK22301 (cited by GeneReviews).